The following is an entry in ClinVar:

NM_017617.5(NOTCH1):c.3511-3C>T

Gene: NOTCH1 (notch receptor 1; minus strand). Cytogenetic location: 9q34.3.
Variant type: single nucleotide variant.
Coding change: c.3511-3C>T on transcript NM_017617.5 (MANE Select); 3 bases into the intron before coding-DNA position 3511, C replaced by T.
Molecular consequence: intron variant.
Genome position (GRCh38, 1-based): chr9:136,507,440, G>A on the plus strand (C>T on the coding strand, the complement: NOTCH1 is on the minus strand). VCF-style: chr9-136507440-G-A. GRCh37 (hg19) VCF-style: chr9-139401892-G-A.
Identifiers: ClinVar variation 1732164 (VCV001732164.2), dbSNP rs2133345384, ClinGen allele CA2580080926.
Genomic context (GRCh38, chr9:136,507,440, plus strand): 5'-GGGAGAGGCACTCGTCGATCTCCTCAGAGCAGTTCACCCCGTGGTAGCCGGCCACGCACT[G>A]TGCAGGCGACAGAACGAGGGGCCCTTCGGCTCAGCCGGCGCCAGGATGCAGTGCTCCCAC-3'

ClinVar aggregate classification (germline): Uncertain significance (1 of 4 stars; one submission).

Conditions:
Familial thoracic aortic aneurysm and aortic dissection (TAAD). Also called: Thoracic aortic aneurysms and dissections. Identifiers: Orphanet 91387, MedGen C4707243, MONDO:0019625.

Allele frequency attached by ClinVar (database versions not stated): gnomAD exomes below 0.00001.
gnomAD v4.1: 1 of 1,602,512 alleles (0.000062%); highest among the groups gnomAD compares: Non-Finnish European, 0.000085%; no homozygotes.

Submission:

Ambry Genetics
Classification: Uncertain significance for Familial thoracic aortic aneurysm and aortic dissection. Last evaluated: 2018-04-26. Review status: criteria provided, single submitter. Criteria: Ambry Variant Classification Scheme 2023. Collection method: clinical testing. Allele origin: germline.
Comment: The c.3511-3C>T intronic variant results from a C to T substitution 3 nucleotides upstream from coding exon 22 in the NOTCH1 gene. This nucleotide position is well conserved in available vertebrate species. Using two different splice site prediction tools, this alteration is predicted by ESEfinder to weaken the efficiency of the native splice acceptor site, but is not predicted to have a deleterious effect on this splice acceptor site by BDGP; however, direct evidence is unavailable. Since supporting evidence is limited at this time, the clinical significance of this alteration remains unclear.